The following is an entry in ClinVar:

NM_002880.4(RAF1):c.1678A>C (p.Met560Leu)

Gene: RAF1 (Raf-1 proto-oncogene, serine/threonine kinase; minus strand). Cytogenetic location: 3p25.2.
Variant type: single nucleotide variant.
Coding change: c.1678A>C on transcript NM_002880.4 (MANE Select); coding-DNA position 1678, A replaced by C.
Protein change: p.Met560Leu; replaces methionine 560 with leucine.
Molecular consequence: missense variant. On other transcripts: non-coding transcript variant (3).
Genome position (GRCh38, 1-based): chr3:12,584,972, T>G on the plus strand (A>C on the coding strand, the complement: RAF1 is on the minus strand). VCF-style: chr3-12584972-T-G. GRCh37 (hg19) VCF-style: chr3-12626471-T-G.
Other names: c.1738A>C, p.Met580Leu (NM_001354689.3); c.1678A>C, p.Met560Leu (NM_001354690.3); c.1435A>C, p.Met479Leu (NM_001354691.3, NM_001354692.3); c.1579A>C, p.Met527Leu (NM_001354693.3); c.1495A>C, p.Met499Leu (NM_001354694.3); c.1336A>C, p.Met446Leu (NM_001354695.3); short protein forms M560L, M446L, M527L, M580L, M479L, M499L.
Identifiers: ClinVar variation 392315 (VCV000392315.4), dbSNP rs754942031, ClinGen allele CA2259431.

ClinVar aggregate classification (germline): Uncertain significance. Review status: criteria provided, multiple submitters, no conflicts (2 of 4 stars). 3 submissions from 3 submitters: Uncertain significance (3). Last evaluated 2025-08-24.

Conditions:
Cardiovascular phenotype. Identifiers: MedGen CN230736.

Allele frequency attached by ClinVar (database versions not stated): gnomAD exomes below 0.00001 and 0.00001; ExAC 0.00001.
gnomAD v4.1: 11 of 1,614,106 alleles (0.00068%); highest among the groups gnomAD compares: Non-Finnish European, 0.00093%; no homozygotes.

Submissions (3):

Ambry Genetics
Classification: Uncertain significance for Cardiovascular phenotype. Last evaluated: 2025-08-24. Review status: criteria provided, single submitter. Criteria: Ambry Variant Classification Scheme 2023. Collection method: clinical testing. Allele origin: germline.
Comment: The p.M560L variant (also known as c.1678A>C), located in coding exon 15 of the RAF1 gene, results from an A to C substitution at nucleotide position 1678. The methionine at codon 560 is replaced by leucine, an amino acid with highly similar properties. This amino acid position is conserved. In addition, the in silico prediction for this alteration is inconclusive. Based on the available evidence, the clinical significance of this variant remains unclear.

Blueprint Genetics
Classification: Uncertain significance. Last evaluated: 2022-09-19. Review status: criteria provided, single submitter. Criteria: ACMG Guidelines, 2015. Collection method: clinical testing. Allele origin: germline.

GeneDx
Classification: Uncertain significance. Last evaluated: 2016-12-21. Review status: criteria provided, single submitter. Criteria: GeneDx Variant Classification (06012015). Collection method: clinical testing. Allele origin: germline. Affected: yes.
Comment: The M560L variant in the RAF1 gene has not been reported previously as a pathogenic variant, nor as a benign variant, to our knowledge. The M560L variant was not observed in approximately 6500 individuals of European and African American ancestry in the NHLBI Exome Sequencing Project, indicating it is not a common benign variant in these populations. The M560L variant is a conservative amino acid substitution, which is not likely to impact secondary protein structure as these residues share similar properties. However, this substitution occurs at a position that is conserved across species, and in silico analysis predicts this variant is probably damaging to the protein structure/function. Therefore, we interpret M560L as a variant of uncertain significance